The following is an entry in ClinVar:

ClinVar aggregate classification (germline): Pathogenic. Review status: criteria provided, multiple submitters, no conflicts (2 of 4 stars). 2 submissions from 2 submitters: Pathogenic (2). Last evaluated 2024-07-31.

Conditions:
Fraser syndrome 3. Identifiers: MedGen C4540040, MONDO:0054739, OMIM 617667.

Allele frequency attached by ClinVar (database versions not stated): gnomAD 0.00001.
gnomAD v4.1: 1 of 1,613,916 alleles (0.000062%); highest among the groups gnomAD compares: Non-Finnish European, 0.000085%; no homozygotes.

Submissions (2):

Myriad Genetics, Inc.
Classification: Pathogenic for Fraser syndrome 3. Last evaluated: 2024-07-31. Review status: criteria provided, single submitter. Criteria: Myriad Autosomal Dominant, Autosomal Recessive and X-Linked Classification Criteria (2023). Collection method: clinical testing. Allele origin: unknown.
Comment: NM_021150.3(GRIP1):c.1999C>T(R667*) is expected to be pathogenic in the context of Fraser syndrome, GRIP1-related. This variant is predicted to lead to an abnormal or absent protein product due to the creation of a premature termination codon in GRIP1, a gene where loss-of-function variants are known to be pathogenic. Please note: this variant was assessed in the context of healthy population screening.

Labcorp Genetics (formerly Invitae), Labcorp
Classification: Pathogenic. Last evaluated: 2022-02-05. Review status: criteria provided, single submitter. Criteria: Invitae Variant Classification Sherloc (09022015). Collection method: clinical testing. Allele origin: germline.
Comment: For these reasons, this variant has been classified as Pathogenic. This variant has not been reported in the literature in individuals affected with GRIP1-related conditions. This variant is not present in population databases (gnomAD no frequency). This sequence change creates a premature translational stop signal (p.Arg667*) in the GRIP1 gene. It is expected to result in an absent or disrupted protein product. Loss-of-function variants in GRIP1 are known to be pathogenic (PMID: 22510445, 24357607).

Literature cited by the submitters: PubMed 22510445 (cited by Labcorp Genetics (formerly Invitae), Labcorp); PubMed 24357607 (cited by Labcorp Genetics (formerly Invitae), Labcorp).

NM_001366722.1(GRIP1):c.2155C>T (p.Arg719Ter)

Gene: GRIP1 (glutamate receptor interacting protein 1; minus strand). Cytogenetic location: 12q14.3.
Variant type: single nucleotide variant.
Coding change: c.2155C>T on transcript NM_001366722.1 (MANE Select); coding-DNA position 2155, C replaced by T.
Protein change: p.Arg719Ter; replaces arginine 719 with a stop codon.
Molecular consequence: nonsense.
Genome position (GRCh38, 1-based): chr12:66,392,791, G>A on the plus strand (C>T on the coding strand, the complement: GRIP1 is on the minus strand). VCF-style: chr12-66392791-G-A. GRCh37 (hg19) VCF-style: chr12-66786571-G-A.
Other names: c.1999C>T, p.Arg667Ter (NM_001178074.2, NM_001379351.1, NM_021150.4); c.2074C>T, p.Arg692Ter (NM_001366723.1, NM_001379348.1); c.2077C>T, p.Arg693Ter (NM_001366724.1, NM_001379347.1); c.2233C>T, p.Arg745Ter (NM_001379345.1); c.2155C>T, p.Arg719Ter (NM_001379346.1); c.2002C>T, p.Arg668Ter (NM_001379349.1); short protein forms R667*, R692*, R693*, R719*, R668*, R745*.
Identifiers: ClinVar variation 2047350 (VCV002047350.6), dbSNP rs765203751, ClinGen allele CA385632519.